The following is an entry in ClinVar:

NM_002439.5(MSH3):c.2253+6G>A

Gene: MSH3 (mutS homolog 3; plus strand). Cytogenetic location: 5q14.1.
Variant type: single nucleotide variant.
Coding change: c.2253+6G>A on transcript NM_002439.5 (MANE Select); 6 bases into the intron after coding-DNA position 2253, G replaced by A.
Molecular consequence: intron variant.
Genome position (GRCh38, 1-based): chr5:80,769,009, G>A. VCF-style: chr5-80769009-G-A. GRCh37 (hg19) VCF-style: chr5-80064828-G-A.
Identifiers: ClinVar variation 1402864 (VCV001402864.6), dbSNP rs2112885350, ClinGen allele CA2573139930.

ClinVar aggregate classification (germline): Uncertain significance (1 of 4 stars; one submission).

Submission:

Labcorp Genetics (formerly Invitae), Labcorp
Classification: Uncertain significance. Last evaluated: 2021-09-10. Review status: criteria provided, single submitter. Criteria: Invitae Variant Classification Sherloc (09022015). Collection method: clinical testing. Allele origin: germline.
Comment: This variant is not present in population databases (ExAC no frequency). This variant has not been reported in the literature in individuals affected with MSH3-related conditions. Variants that disrupt the consensus splice site are a relatively common cause of aberrant splicing (PMID: 17576681, 9536098). Algorithms developed to predict the effect of sequence changes on RNA splicing suggest that this variant is not likely to affect RNA splicing. In summary, the available evidence is currently insufficient to determine the role of this variant in disease. Therefore, it has been classified as a Variant of Uncertain Significance. This sequence change falls in intron 15 of the MSH3 gene. It does not directly change the encoded amino acid sequence of the MSH3 protein. It affects a nucleotide within the consensus splice site of the intron.

Literature cited by the submitters: PubMed 17576681; PubMed 9536098.